The following is an entry in ClinVar:

NM_001354483.2(CSGALNACT1):c.13C>T (p.Arg5Cys)

Gene: CSGALNACT1 (chondroitin sulfate N-acetylgalactosaminyltransferase 1; minus strand). Cytogenetic location: 8p21.3.
Variant type: single nucleotide variant.
Coding change: c.13C>T on transcript NM_001354483.2 (MANE Select); coding-DNA position 13, C replaced by T.
Protein change: p.Arg5Cys; replaces arginine 5 with cysteine.
Molecular consequence: missense variant. On other transcripts: non-coding transcript variant (7).
Genome position (GRCh38, 1-based): chr8:19,505,822, G>A on the plus strand (C>T on the coding strand, the complement: CSGALNACT1 is on the minus strand). VCF-style: chr8-19505822-G-A. GRCh37 (hg19) VCF-style: chr8-19363333-G-A.
Other names: c.13C>T, p.Arg5Cys (NM_001130518.2, NM_001354475.2, NM_001354476.2 and 18 more transcripts); c.13C>T (NM_001130518.1); short protein forms R5C.
Identifiers: ClinVar variation 1464594 (VCV001464594.4), dbSNP rs1194788527, ClinGen allele CA370462392.
Genomic context (GRCh38, chr8:19,505,822, plus strand): 5'-CACAGCAGAGGAGCACCAGCAAAACCACCACCCGGGAAATCCACGCAAGCAGCCCCCGGC[G>A]AACCATCATCATTCAGGAATCAGCCATGCGTCCAGAACCGGTGGCATCCCTCAAAGCCGG-3'
Protein context (NP_001341412.1, residues 1-15): MMMV[Arg5Cys]RGLLAWISRV

ClinVar aggregate classification (germline): Uncertain significance. Review status: criteria provided, multiple submitters, no conflicts (2 of 4 stars). 2 submissions from 2 submitters: Uncertain significance (2). Last evaluated 2025-03-23.

Conditions:
Inborn genetic diseases. Identifiers: MedGen C0950123, MeSH D030342.

Allele frequency attached by ClinVar (database versions not stated): gnomAD exomes below 0.00001; gnomAD 0.00001; TOPMed 0.00005.

Submissions (2):

Ambry Genetics
Classification: Uncertain significance for Inborn genetic diseases. Last evaluated: 2025-03-23. Review status: criteria provided, single submitter. Criteria: Ambry Variant Classification Scheme 2023. Collection method: clinical testing. Allele origin: germline.

Labcorp Genetics (formerly Invitae), Labcorp
Classification: Uncertain significance. Last evaluated: 2021-11-15. Review status: criteria provided, single submitter. Criteria: Invitae Variant Classification Sherloc (09022015). Collection method: clinical testing. Allele origin: germline.
Comment: This sequence change replaces arginine, which is basic and polar, with cysteine, which is neutral and slightly polar, at codon 5 of the CSGALNACT1 protein (p.Arg5Cys). This variant is present in population databases (no rsID available, gnomAD 0.004%). This variant has not been reported in the literature in individuals affected with CSGALNACT1-related conditions. Algorithms developed to predict the effect of missense changes on protein structure and function are either unavailable or do not agree on the potential impact of this missense change (SIFT: "Deleterious"; PolyPhen-2: "Probably Damaging"; Align-GVGD: "Class C0"). In summary, the available evidence is currently insufficient to determine the role of this variant in disease. Therefore, it has been classified as a Variant of Uncertain Significance.